The following is an entry in ClinVar:

ClinVar aggregate classification (germline): Likely benign. Review status: criteria provided, single submitter (1 of 4 stars). 2 submissions from 2 submitters: Likely benign (1). 1 of the submissions does not count toward it. Last evaluated 2025-03-17.

Conditions:
GUF1-related disorder. Also called: GUF1-related condition.

Allele frequency attached by ClinVar (database versions not stated): gnomAD 0.00015; 1000 Genomes Project 30x 0.00016; 1000 Genomes Project 0.00020; ESP Exome Variant Server 0.00008; ExAC 0.00007.
gnomAD v4.1: 47 of 1,609,368 alleles (0.0029%); highest among the groups gnomAD compares: African/African-American, 0.04%; no homozygotes.

Submissions (2):

Labcorp Genetics (formerly Invitae), Labcorp
Classification: Likely benign. Last evaluated: 2025-03-17. Review status: criteria provided, single submitter. Criteria: Invitae Variant Classification Sherloc (09022015). Collection method: clinical testing. Allele origin: germline.

PreventionGenetics, part of Exact Sciences
Classification: Likely benign for GUF1-related condition. Last evaluated: 2020-02-24. Review status: no assertion criteria provided. Collection method: clinical testing. Allele origin: germline. Not counted in ClinVar's aggregate classification.
Comment: This variant is classified as likely benign based on ACMG/AMP sequence variant interpretation guidelines (Richards et al. 2015 PMID: 25741868, with internal and published modifications).

NM_021927.3(GUF1):c.1953C>T (p.Asn651=)

Gene: GUF1 (GTP binding elongation factor GUF1; plus strand). Cytogenetic location: 4p12.
Variant type: single nucleotide variant.
Coding change: c.1953C>T on transcript NM_021927.3 (MANE Select); coding-DNA position 1953, C replaced by T.
Protein change: p.Asn651=; no amino-acid change (asparagine 651 retained).
Molecular consequence: synonymous variant.
Genome position (GRCh38, 1-based): chr4:44,698,624, C>T. VCF-style: chr4-44698624-C-T. GRCh37 (hg19) VCF-style: chr4-44700641-C-T.
Other names: c.981C>T, p.Asn327= (NM_001345867.2, NM_001345869.2); c.1833C>T, p.Asn611= (NM_001345868.2); c.1953C>T (NM_021927.2).
Identifiers: ClinVar variation 2907954 (VCV002907954.5), dbSNP rs183888731, ClinGen allele CA2905831.
Genomic context (GRCh38, chr4:44,698,624, plus strand): 5'-AAAAATGAAGCTTTTGAAGAGACAAGCAGAAGGGAAAAAAAAGCTGAGGAAAATTGGCAA[C>T]GTTGAAGTTCCAAAAGATGCTTTTATAAAAGTTCTGAAAACACAATCTTCTAAATAATTG-3'
Protein context (NP_068746.2, residues 641-661): EGKKKLRKIG[Asn651=]VEVPKDAFIK